The following is an entry in ClinVar:

ClinVar aggregate classification (germline): Uncertain significance (1 of 4 stars; one submission).

Conditions:
Primary ciliary dyskinesia. Also called: Ciliary dyskinesia. Identifiers: Orphanet 244, MedGen C0008780, MONDO:0016575, HP:0012265.

gnomAD v4.1: 1 of 1,613,342 alleles (0.000062%); highest among the groups gnomAD compares: African/African-American, 0.0013%; no homozygotes.

Submission:

Ambry Genetics
Classification: Uncertain significance for Primary ciliary dyskinesia. Last evaluated: 2023-02-18. Review status: criteria provided, single submitter. Criteria: Ambry Variant Classification Scheme 2023. Collection method: clinical testing. Allele origin: germline.
Comment: The p.D1670V variant (also known as c.5009A>T), located in coding exon 29 of the DNAH11 gene, results from an A to T substitution at nucleotide position 5009. The aspartic acid at codon 1670 is replaced by valine, an amino acid with highly dissimilar properties. This amino acid position is conserved. In addition, this alteration is predicted to be tolerated by in silico analysis. Since supporting evidence is limited at this time, the clinical significance of this alteration remains unclear.

NM_001277115.2(DNAH11):c.5009A>T (p.Asp1670Val)

Gene: DNAH11 (dynein axonemal heavy chain 11; plus strand). Cytogenetic location: 7p15.3.
Variant type: single nucleotide variant.
Coding change: c.5009A>T on transcript NM_001277115.2 (MANE Select); coding-DNA position 5009, A replaced by T.
Protein change: p.Asp1670Val; replaces aspartic acid 1670 with valine.
Molecular consequence: missense variant.
Genome position (GRCh38, 1-based): chr7:21,655,896, A>T. VCF-style: chr7-21655896-A-T. GRCh37 (hg19) VCF-style: chr7-21695514-A-T.
Other names: c.5024A>T, p.Asp1675Val (NM_003777.3); short protein forms D1675V, D1670V.
Identifiers: ClinVar variation 2454181 (VCV002454181.2), dbSNP rs368565591, ClinGen allele CA366938042.